The following is an entry in ClinVar:

ClinVar aggregate classification (germline): Uncertain significance. Review status: criteria provided, multiple submitters, no conflicts (2 of 4 stars). 2 submissions from 2 submitters: Uncertain significance (2). Last evaluated 2024-05-13.

Conditions:
Donnai-Barrow syndrome. Also called: DBS/FOAR SYNDROME; FACIOOCULOACOUSTICORENAL SYNDROME. Identifiers: Orphanet 2143, MedGen C1857277, MONDO:0009104, OMIM 222448.

Allele frequency attached by ClinVar (database versions not stated): gnomAD exomes 0.00002 and 0.00003; TOPMed 0.00002; ExAC 0.00003; gnomAD 0.00004.
gnomAD v4.1: 44 of 1,614,090 alleles (0.0027%); highest among the groups gnomAD compares: Non-Finnish European, 0.0036%; no homozygotes.

Submissions (2):

Fulgent Genetics
Classification: Uncertain significance for Donnai-Barrow syndrome. Last evaluated: 2024-05-13. Review status: criteria provided, single submitter. Criteria: ACMG Guidelines, 2015. Collection method: clinical testing. Allele origin: germline.

Labcorp Genetics (formerly Invitae), Labcorp
Classification: Uncertain significance. Last evaluated: 2022-06-27. Review status: criteria provided, single submitter. Criteria: Invitae Variant Classification Sherloc (09022015). Collection method: clinical testing. Allele origin: germline.
Comment: This sequence change replaces isoleucine, which is neutral and non-polar, with valine, which is neutral and non-polar, at codon 3413 of the LRP2 protein (p.Ile3413Val). This variant is present in population databases (rs768233553, gnomAD 0.005%). This variant has not been reported in the literature in individuals affected with LRP2-related conditions. Advanced modeling of protein sequence and biophysical properties (such as structural, functional, and spatial information, amino acid conservation, physicochemical variation, residue mobility, and thermodynamic stability) performed at Invitae indicates that this missense variant is not expected to disrupt LRP2 protein function. In summary, the available evidence is currently insufficient to determine the role of this variant in disease. Therefore, it has been classified as a Variant of Uncertain Significance.

NM_004525.3(LRP2):c.10237A>G (p.Ile3413Val)

Gene: LRP2 (LDL receptor related protein 2; minus strand). Cytogenetic location: 2q31.1.
Variant type: single nucleotide variant.
Coding change: c.10237A>G on transcript NM_004525.3 (MANE Select); coding-DNA position 10237, A replaced by G.
Protein change: p.Ile3413Val; replaces isoleucine 3413 with valine.
Molecular consequence: missense variant.
Genome position (GRCh38, 1-based): chr2:169,177,959, T>C on the plus strand (A>G on the coding strand, the complement: LRP2 is on the minus strand). VCF-style: chr2-169177959-T-C. GRCh37 (hg19) VCF-style: chr2-170034469-T-C.
Other names: short protein forms I3413V.
Identifiers: ClinVar variation 1353705 (VCV001353705.4), dbSNP rs768233553, ClinGen allele CA1953391.
Genomic context (GRCh38, chr2:169,177,959, plus strand): 5'-CCTTTTCCACTGTCCTTGTATTCCAATCTGTCCAATAAATAGTGTCTTCAAAAATGGTAA[T>C]AGCGAAAGGGTGAGGCAGTGCCCCATCATACACCGTGTGTCGATGGTGGCCCTCCAAATC-3'
Protein context (NP_004516.2, residues 3403-3423): YDGALPHPFA[Ile3413Val]TIFEDTIYWT